The following is an entry in ClinVar:

ClinVar aggregate classification (germline): Uncertain significance (1 of 4 stars; one submission).

Allele frequency attached by ClinVar (database versions not stated): gnomAD exomes below 0.00001; ExAC 0.00001.

Submission:

GeneDx
Classification: Uncertain significance. Last evaluated: 2017-06-21. Review status: criteria provided, single submitter. Criteria: GeneDx Variant Classification (06012015). Collection method: clinical testing. Allele origin: germline. Affected: yes.
Comment: The c.-8 G>T variant has not been published as a pathogenic variant, nor has it been reported as a benign variant to our knowledge. The c.-8 G>T variant is not observed at a significant frequency in large population cohorts (Lek et al., 2016; 1000 Genomes Consortium et al., 2015; Exome Variant Server). Several in-silico splice prediction models predict that c.-8 G>T does not lead to abnormal gene splicing. Additionally, to our knowledge, no regulatory variants have been reported in the PIGV gene in association with PIGV-related disorders (Stenson et al., 2014). However, in the absence of RNA/functional studies, the actual effect of this sequence change in this individual is unknown. Therefore, based on the currently available information, it is unclear whether this variant is a pathogenic variant or a rare benign variant.

NM_017837.4(PIGV):c.-8G>T

Gene: PIGV (phosphatidylinositol glycan anchor biosynthesis class V; plus strand). Cytogenetic location: 1p36.11.
Variant type: single nucleotide variant.
Coding change: c.-8G>T on transcript NM_017837.4 (MANE Select); 8 bases upstream of the start codon, G replaced by T.
Molecular consequence: 5 prime UTR variant. On other transcripts: non-coding transcript variant (2), intron variant (1).
Genome position (GRCh38, 1-based): chr1:26,790,808, G>T. VCF-style: chr1-26790808-G-T. GRCh37 (hg19) VCF-style: chr1-27117299-G-T.
Other names: c.-8G>T (NM_001202554.2, NM_001374478.1, NM_001374480.1 and 5 more transcripts); c.-304+3002G>T (NM_001374483.1).
Identifiers: ClinVar variation 432886 (VCV000432886.2), dbSNP rs757511396, ClinGen allele CA707959.